The following is an entry in ClinVar:

ClinVar aggregate classification (germline): Benign/Likely benign. Review status: criteria provided, multiple submitters, no conflicts (2 of 4 stars). 4 submissions from 4 submitters: Benign (1); Likely benign (2). 1 of the submissions does not count toward it. Last evaluated 2025-12-16.

Conditions:
LAMA5-related disorder. Also called: LAMA5-Related Disorders; LAMA5-related condition.

Allele frequency attached by ClinVar (database versions not stated): 1000 Genomes Project 30x 0.00047; 1000 Genomes Project 0.00060; gnomAD exomes 0.00104; gnomAD 0.00117; ExAC 0.00133; TOPMed 0.00133; ESP Exome Variant Server 0.00192.

Submissions (4):

Labcorp Genetics (formerly Invitae), Labcorp
Classification: Benign. Last evaluated: 2025-12-16. Review status: criteria provided, single submitter. Criteria: Invitae Variant Classification Sherloc (09022015). Collection method: clinical testing. Allele origin: germline.

Blueprint Genetics
Classification: Likely benign. Last evaluated: 2024-11-28. Review status: criteria provided, single submitter. Criteria: ACMG Guidelines, 2015. Collection method: clinical testing. Allele origin: germline.

CeGaT Center for Human Genetics Tuebingen
Classification: Likely benign. Last evaluated: 2023-02-01. Review status: criteria provided, single submitter. Criteria: CeGaT Center For Human Genetics Tuebingen Variant Classification Criteria Version 2. Collection method: clinical testing. Allele origin: germline. Affected: yes. Observed: 2 variant alleles.
Comment: LAMA5: BP4, BP7

PreventionGenetics, part of Exact Sciences
Classification: Benign for LAMA5-related condition. Last evaluated: 2019-06-11. Review status: no assertion criteria provided. Collection method: clinical testing. Allele origin: germline. Not counted in ClinVar's aggregate classification.
Comment: This variant is classified as benign based on ACMG/AMP sequence variant interpretation guidelines (Richards et al. 2015 PMID: 25741868, with internal and published modifications).

NM_005560.6(LAMA5):c.630C>T (p.Asp210=)

Gene: LAMA5 (laminin subunit alpha 5; minus strand). Cytogenetic location: 20q13.33.
Variant type: single nucleotide variant.
Coding change: c.630C>T on transcript NM_005560.6 (MANE Select); coding-DNA position 630, C replaced by T.
Protein change: p.Asp210=; no amino-acid change (aspartic acid 210 retained).
Molecular consequence: synonymous variant.
Genome position (GRCh38, 1-based): chr20:62,352,299, G>A on the plus strand (C>T on the coding strand, the complement: LAMA5 is on the minus strand). VCF-style: chr20-62352299-G-A. GRCh37 (hg19) VCF-style: chr20-60927355-G-A.
Other names: c.630C>T (NM_005560.4).
Identifiers: ClinVar variation 2039685 (VCV002039685.30), dbSNP rs141261581, ClinGen allele CA9944366.